The following is an entry in ClinVar:

ClinVar aggregate classification (germline): Pathogenic. Review status: criteria provided, multiple submitters, no conflicts (2 of 4 stars). 2 submissions from 2 submitters: Pathogenic (2). Last evaluated 2023-09-10.

Conditions:
Duchenne muscular dystrophy (DMD). Also called: Duchenne Muscular Dystrophy (DMD); MUSCULAR DYSTROPHY, PSEUDOHYPERTROPHIC PROGRESSIVE, DUCHENNE TYPE. Identifiers: Orphanet 98896, MedGen C0013264, MONDO:0010679, OMIM 310200.

Submissions (2):

Labcorp Genetics (formerly Invitae), Labcorp
Classification: Pathogenic for Duchenne muscular dystrophy. Last evaluated: 2023-09-10. Review status: criteria provided, single submitter. Criteria: Invitae Variant Classification Sherloc (09022015). Collection method: clinical testing. Allele origin: germline.
Comment: ClinVar contains an entry for this variant (Variation ID: 571814). Algorithms developed to predict the effect of sequence changes on RNA splicing suggest that this variant may disrupt the consensus splice site. For these reasons, this variant has been classified as Pathogenic. This sequence change affects an acceptor splice site in intron 6 of the DMD gene. It is expected to disrupt RNA splicing. Variants that disrupt the donor or acceptor splice site typically lead to a loss of protein function (PMID: 16199547), and loss-of-function variants in DMD are known to be pathogenic (PMID: 16770791, 25007885). This variant is not present in population databases (gnomAD no frequency). Disruption of this splice site has been observed in individuals with DMD-related muscular dystrophy (PMID: 21515508; Invitae).

Mendelics
Classification: Pathogenic for Duchenne muscular dystrophy. Last evaluated: 2019-05-28. Review status: criteria provided, single submitter. Criteria: Mendelics Assertion Criteria 2017. Collection method: clinical testing. Allele origin: unknown.

Literature cited by the submitters: PubMed 16199547 (cited by Labcorp Genetics (formerly Invitae), Labcorp); PubMed 16770791 (cited by Labcorp Genetics (formerly Invitae), Labcorp); PubMed 25007885 (cited by Labcorp Genetics (formerly Invitae), Labcorp); PubMed 21515508 (cited by Labcorp Genetics (formerly Invitae), Labcorp).

NM_004006.3(DMD):c.531-1G>C

Gene: DMD (dystrophin; minus strand). Cytogenetic location: Xp21.1.
Variant type: single nucleotide variant.
Coding change: c.531-1G>C on transcript NM_004006.3 (MANE Select); the canonical splice acceptor site of the intron before coding-DNA position 531, G replaced by C.
Molecular consequence: splice acceptor variant.
Genome position (GRCh38, 1-based): chrX:32,809,612, C>G on the plus strand (G>C on the coding strand, the complement: DMD is on the minus strand). VCF-style: chrX-32809612-C-G. GRCh37 (hg19) VCF-style: chrX-32827729-C-G.
Other names: c.507-1G>C (NM_000109.4); c.519-1G>C (NM_004009.3); c.162-1G>C (NM_004010.3).
Identifiers: ClinVar variation 571814 (VCV000571814.11), dbSNP rs1569526579, ClinGen allele CA412674011.
Genomic context (GRCh38, chrX:32,809,612, plus strand): 5'-TCCAGTCGTTGTGTGGCTGACTGCTGGCAAACCACACTATTCCAGTCAAATAGGTCTGGC[C>G]TAAAACACATACACATACACACATACACAAAGACAAATATAAATCAATCTAGAATGTTCC-3'